The following is an entry in ClinVar:

ClinVar aggregate classification (germline): Likely pathogenic (1 of 4 stars; one submission).

Conditions:
Inborn genetic diseases. Identifiers: MedGen C0950123, MeSH D030342.

Submission:

Ambry Genetics
Classification: Likely pathogenic for Inborn genetic diseases. Last evaluated: 2023-10-10. Review status: criteria provided, single submitter. Criteria: Ambry Variant Classification Scheme 2023. Collection method: clinical testing. Allele origin: germline.
Comment: The c.438+5G>C intronic alteration results from a G to C substitution 5 nucleotides after coding exon 3 in the ZMYND11 gene. This variant was not reported in population-based cohorts in the Genome Aggregation Database (gnomAD). This nucleotide position is highly conserved in available vertebrate species. In silico splice site analysis predicts that this alteration will weaken the native splice donor site. Based on the available evidence, this alteration is classified as likely pathogenic.

NM_001370100.5(ZMYND11):c.438+5G>C

Gene: ZMYND11 (zinc finger MYND-type containing 11; plus strand). Cytogenetic location: 10p15.3.
Variant type: single nucleotide variant.
Coding change: c.438+5G>C on transcript NM_001370100.5 (MANE Select); 5 bases into the intron after coding-DNA position 438, G replaced by C.
Molecular consequence: intron variant.
Genome position (GRCh38, 1-based): chr10:221,361, G>C. VCF-style: chr10-221361-G-C. GRCh37 (hg19) VCF-style: chr10-267301-G-C.
Other names: c.276+11313G>C (NM_001370103.2, NM_001370104.2, NM_001370105.2 and 11 more transcripts); c.438+5G>C (NM_006624.7, NM_001370119.2, NM_001370098.2 and 10 more transcripts); c.318+5G>C (NM_001370118.2); c.387+5G>C (NM_001330057.3, NM_001370112.2); c.372+5G>C (NM_001370116.2); c.210+11313G>C (NM_001370120.2); c.-33-15477G>C (NM_001370124.3); c.225+11313G>C (NM_001370123.2); and 1 more.
Identifiers: ClinVar variation 3193834 (VCV003193834.1), dbSNP rs2539525839, ClinGen allele CA2825001662.